The following is an entry in ClinVar:

NM_031407.7(HUWE1):c.2635A>G (p.Asn879Asp)

Gene: HUWE1 (HECT, UBA and WWE domain containing E3 ubiquitin protein ligase 1; minus strand). Cytogenetic location: Xp11.22.
Variant type: single nucleotide variant.
Coding change: c.2635A>G on transcript NM_031407.7 (MANE Select); coding-DNA position 2635, A replaced by G.
Protein change: p.Asn879Asp; replaces asparagine 879 with aspartic acid.
Molecular consequence: missense variant.
Genome position (GRCh38, 1-based): chrX:53,604,696, T>C on the plus strand (A>G on the coding strand, the complement: HUWE1 is on the minus strand). VCF-style: chrX-53604696-T-C. GRCh37 (hg19) VCF-style: chrX-53631657-T-C.
Other names: c.2635A>G (NM_031407.4); short protein forms N879D.
Identifiers: ClinVar variation 2881051 (VCV002881051.4), dbSNP rs1041060788, ClinGen allele CA329201905.
Genomic context (GRCh38, chrX:53,604,696, plus strand): 5'-CAGCAGTGAGTGCATGCAGCAGAGGTGTGGCCTGGGCTGAGAGGGTAGCATCAGCAACAT[T>C]GCCTGCGCAAGCCAGTTCTCGCAACAACACTGAGCCCCCAGGGGATTCAATGGGGCGGTG-3'
Protein context (NP_113584.3, residues 869-889): VLLRELACAG[Asn879Asp]VADATLSAQA

ClinVar aggregate classification (germline): Uncertain significance. Review status: criteria provided, multiple submitters, no conflicts (2 of 4 stars). 2 submissions from 2 submitters: Uncertain significance (2). Last evaluated 2025-12-09.

Conditions:
Inborn genetic diseases. Identifiers: MedGen C0950123, MeSH D030342.

Allele frequency attached by ClinVar (database versions not stated): gnomAD 0.00002.
gnomAD v4.1: 2 of 1,210,153 alleles (0.00017%); highest among the groups gnomAD compares: African/African-American, 0.0035%; no homozygotes.

Submissions (2):

Ambry Genetics
Classification: Uncertain significance for Inborn genetic diseases. Last evaluated: 2025-12-09. Review status: criteria provided, single submitter. Criteria: Ambry Variant Classification Scheme 2023. Collection method: clinical testing. Allele origin: germline.

Labcorp Genetics (formerly Invitae), Labcorp
Classification: Uncertain significance. Last evaluated: 2023-06-09. Review status: criteria provided, single submitter. Criteria: Invitae Variant Classification Sherloc (09022015). Collection method: clinical testing. Allele origin: germline.
Comment: In summary, the available evidence is currently insufficient to determine the role of this variant in disease. Therefore, it has been classified as a Variant of Uncertain Significance. Advanced modeling of protein sequence and biophysical properties (such as structural, functional, and spatial information, amino acid conservation, physicochemical variation, residue mobility, and thermodynamic stability) performed at Invitae indicates that this missense variant is not expected to disrupt HUWE1 protein function. This variant has not been reported in the literature in individuals affected with HUWE1-related conditions. This variant is not present in population databases (gnomAD no frequency). This sequence change replaces asparagine, which is neutral and polar, with aspartic acid, which is acidic and polar, at codon 879 of the HUWE1 protein (p.Asn879Asp).